The following is an entry in ClinVar:

ClinVar aggregate classification (germline): Uncertain significance (1 of 4 stars; one submission).

Conditions:
Hajdu-Cheney syndrome (HJCYS). Also called: Acroosteolysis dominant type; ACROOSTEOLYSIS WITH OSTEOPOROSIS AND CHANGES IN SKULL AND MANDIBLE; SERPENTINE FIBULA-POLYCYSTIC KIDNEY SYNDROME. Identifiers: Orphanet 955, MedGen C0917715, MONDO:0007057, OMIM 102500.

gnomAD v4.1: 1 of 1,614,108 alleles (0.000062%); highest among the groups gnomAD compares: Non-Finnish European, 0.000085%; no homozygotes.

Submission:

Labcorp Genetics (formerly Invitae), Labcorp
Classification: Uncertain significance for Hajdu-Cheney syndrome. Last evaluated: 2025-11-27. Review status: criteria provided, single submitter. Criteria: Invitae Variant Classification Sherloc (09022015). Collection method: clinical testing. Allele origin: germline.
Comment: This sequence change replaces glycine, which is neutral and non-polar, with serine, which is neutral and polar, at codon 1570 of the NOTCH2 protein (p.Gly1570Ser). This variant is not present in population databases (gnomAD no frequency). This variant has not been reported in the literature in individuals affected with NOTCH2-related conditions. Invitae Evidence Modeling of protein sequence and biophysical properties (such as structural, functional, and spatial information, amino acid conservation, physicochemical variation, residue mobility, and thermodynamic stability) indicates that this missense variant is not expected to disrupt NOTCH2 protein function with a negative predictive value of 80%. In summary, the available evidence is currently insufficient to determine the role of this variant in disease. Therefore, it has been classified as a Variant of Uncertain Significance.

NM_024408.4(NOTCH2):c.4708G>A (p.Gly1570Ser)

Gene: NOTCH2 (notch receptor 2; minus strand). Cytogenetic location: 1p12.
Variant type: single nucleotide variant.
Coding change: c.4708G>A on transcript NM_024408.4 (MANE Select); coding-DNA position 4708, G replaced by A.
Protein change: p.Gly1570Ser; replaces glycine 1570 with serine.
Molecular consequence: missense variant.
Genome position (GRCh38, 1-based): chr1:119,923,788, C>T on the plus strand (G>A on the coding strand, the complement: NOTCH2 is on the minus strand). VCF-style: chr1-119923788-C-T. GRCh37 (hg19) VCF-style: chr1-120466411-C-T.
Other names: short protein forms G1570S.
Identifiers: ClinVar variation 4742364 (VCV004742364.1).
Genomic context (GRCh38, chr1:119,923,788, plus strand): 5'-ACACCATGAGTTCCCCCTGGGAGTCCCGCTTAATGCGCAGGTTGGTGTGGAGCAGGGTAC[C>T]CAGTGCCCGCAAGAAGCTGCGAGCATCCTGGAGCAGTTGTTCAGGTGGCATCAATACCAC-3'
Protein context (NP_077719.2, residues 1560-1580): QDARSFLRAL[Gly1570Ser]TLLHTNLRIK